The following is an entry in ClinVar:

ClinVar aggregate classification (germline): Uncertain significance. Review status: criteria provided, multiple submitters, no conflicts (2 of 4 stars). 2 submissions from 2 submitters: Uncertain significance (2). Last evaluated 2025-05-13.

Conditions:
Inborn genetic diseases. Identifiers: MedGen C0950123, MeSH D030342.
Charcot-Marie-Tooth Neuropathy X. Identifiers: MedGen CN118851.
Combined oxidative phosphorylation deficiency. Identifiers: MedGen C4540031, MONDO:0000732.

Allele frequency attached by ClinVar (database versions not stated): gnomAD exomes below 0.00001; TOPMed 0.00001.
gnomAD v4.1: 5 of 1,210,166 alleles (0.00041%); highest among the groups gnomAD compares: Admixed American, 0.0044%; no homozygotes.

Submissions (2):

Ambry Genetics
Classification: Uncertain significance for Inborn genetic diseases. Last evaluated: 2025-05-13. Review status: criteria provided, single submitter. Criteria: Ambry Variant Classification Scheme 2023. Collection method: clinical testing. Allele origin: germline.

Labcorp Genetics (formerly Invitae), Labcorp
Classification: Uncertain significance for Charcot-Marie-Tooth Neuropathy X; Combined oxidative phosphorylation deficiency. Last evaluated: 2025-01-14. Review status: criteria provided, single submitter. Criteria: Invitae Variant Classification Sherloc (09022015). Collection method: clinical testing. Allele origin: germline.
Comment: This sequence change replaces aspartic acid, which is acidic and polar, with asparagine, which is neutral and polar, at codon 126 of the AIFM1 protein (p.Asp126Asn). This variant is not present in population databases (gnomAD no frequency). This variant has not been reported in the literature in individuals affected with AIFM1-related conditions. ClinVar contains an entry for this variant (Variation ID: 2078444). Invitae Evidence Modeling of protein sequence and biophysical properties (such as structural, functional, and spatial information, amino acid conservation, physicochemical variation, residue mobility, and thermodynamic stability) indicates that this missense variant is not expected to disrupt AIFM1 protein function with a negative predictive value of 80%. In summary, the available evidence is currently insufficient to determine the role of this variant in disease. Therefore, it has been classified as a Variant of Uncertain Significance.

NM_004208.4(AIFM1):c.376G>A (p.Asp126Asn)

Genes: AIFM1 (apoptosis inducing factor mitochondria associated 1; minus strand), RAB33A (RAB33A, member RAS oncogene family; plus strand). Cytogenetic location: Xq26.1.
Variant type: single nucleotide variant.
Coding change: c.376G>A on transcript NM_004208.4 (MANE Select); coding-DNA position 376, G replaced by A.
Protein change: p.Asp126Asn; replaces aspartic acid 126 with asparagine.
Molecular consequence: missense variant. On other transcripts: non-coding transcript variant (1).
Genome position (GRCh38, 1-based): chrX:130,147,850, C>T on the plus strand (G>A on the coding strand, the complement: AIFM1 is on the minus strand). VCF-style: chrX-130147850-C-T. GRCh37 (hg19) VCF-style: chrX-129281825-C-T.
Other names: c.376G>A, p.Asp126Asn (NM_001130847.4); c.364G>A, p.Asp122Asn (NM_145812.3); c.376G>A (NM_004208.3); short protein forms D122N, D126N.
Identifiers: ClinVar variation 2078444 (VCV002078444.5), dbSNP rs1200765574, ClinGen allele CA414589243.